The following is an entry in ClinVar:

ClinVar aggregate classification (germline): Uncertain significance. Review status: criteria provided, multiple submitters, no conflicts (2 of 4 stars). 3 submissions from 3 submitters: Uncertain significance (3). Last evaluated 2024-12-24.

Conditions:
Cenani-Lenz syndactyly syndrome. Also called: SYNDACTYLY, TYPE VII; CENANI SYNDACTYLISM. Identifiers: Orphanet 3258, MedGen C1859309, MONDO:0008931, OMIM 212780.
Sclerosteosis 2 (SOST2). Identifiers: Orphanet 3152, MedGen C3280402, MONDO:0013679, OMIM 614305.
Congenital myasthenic syndrome 17. Identifiers: Orphanet 590, MedGen C4225377, MONDO:0014578, OMIM 616304.

Allele frequency attached by ClinVar (database versions not stated): TOPMed 0.00006; gnomAD 0.00009; gnomAD exomes 0.00009 and 0.00010; ExAC 0.00008.
gnomAD v4.1: 138 of 1,613,480 alleles (0.0086%); highest among the groups gnomAD compares: Non-Finnish European, 0.0099%; no homozygotes.

Submissions (3):

Revvity Omics, Revvity
Classification: Uncertain significance. Last evaluated: 2024-12-24. Review status: criteria provided, single submitter. Criteria: ACMG Guidelines, 2015. Collection method: clinical testing. Allele origin: germline.

Fulgent Genetics
Classification: Uncertain significance for Cenani-Lenz syndactyly syndrome; Sclerosteosis 2; Congenital myasthenic syndrome 17. Last evaluated: 2024-01-22. Review status: criteria provided, single submitter. Criteria: ACMG Guidelines, 2015. Collection method: clinical testing. Allele origin: germline.

Labcorp Genetics (formerly Invitae), Labcorp
Classification: Uncertain significance for Cenani-Lenz syndactyly syndrome; Sclerosteosis 2; Congenital myasthenic syndrome 17. Last evaluated: 2022-06-26. Review status: criteria provided, single submitter. Criteria: Invitae Variant Classification Sherloc (09022015). Collection method: clinical testing. Allele origin: germline.
Comment: This sequence change replaces arginine, which is basic and polar, with tryptophan, which is neutral and slightly polar, at codon 385 of the LRP4 protein (p.Arg385Trp). This variant is present in population databases (rs200623154, gnomAD 0.03%). This variant has not been reported in the literature in individuals affected with LRP4-related conditions. ClinVar contains an entry for this variant (Variation ID: 856062). Algorithms developed to predict the effect of missense changes on protein structure and function are either unavailable or do not agree on the potential impact of this missense change (SIFT: "Deleterious"; PolyPhen-2: "Probably Damaging"; Align-GVGD: "Class C0"). Algorithms developed to predict the effect of sequence changes on RNA splicing suggest that this variant may disrupt the consensus splice site. In summary, the available evidence is currently insufficient to determine the role of this variant in disease. Therefore, it has been classified as a Variant of Uncertain Significance.

NM_002334.4(LRP4):c.1153C>T (p.Arg385Trp)

Gene: LRP4 (LDL receptor related protein 4; minus strand). Cytogenetic location: 11p11.2.
Variant type: single nucleotide variant.
Coding change: c.1153C>T on transcript NM_002334.4 (MANE Select); coding-DNA position 1153, C replaced by T.
Protein change: p.Arg385Trp; replaces arginine 385 with tryptophan.
Molecular consequence: missense variant.
Genome position (GRCh38, 1-based): chr11:46,895,914, G>A on the plus strand (C>T on the coding strand, the complement: LRP4 is on the minus strand). VCF-style: chr11-46895914-G-A. GRCh37 (hg19) VCF-style: chr11-46917465-G-A.
Other names: short protein forms R385W.
Identifiers: ClinVar variation 856062 (VCV000856062.9), dbSNP rs200623154, ClinGen allele CA5970255.
Genomic context (GRCh38, chr11:46,895,914, plus strand): 5'-GACTCTGCTGCAAACCAGGCCCCAGCTCACCTTGGCACGTGTGCCCATCCTCTGTGAGCC[G>A]GTAGCCTGTGTGGCAGGTACACTGCACTGCCCCCCGCACCATCTGGCACTTCTGGGCACA-3'
Protein context (NP_002325.2, residues 375-395): AVQCTCHTGY[Arg385Trp]LTEDGHTCQD